The following is an entry in ClinVar:

NM_001012339.3(DNAJC21):c.1186-495C>T

Gene: DNAJC21 (DnaJ heat shock protein family (Hsp40) member C21; plus strand). Cytogenetic location: 5p13.2.
Variant type: single nucleotide variant.
Coding change: c.1186-495C>T on transcript NM_001012339.3 (MANE Select); 495 bases into the intron before coding-DNA position 1186, C replaced by T.
Molecular consequence: intron variant. On other transcripts: nonsense (1).
Genome position (GRCh38, 1-based): chr5:34,949,675, C>T. VCF-style: chr5-34949675-C-T. GRCh37 (hg19) VCF-style: chr5-34949780-C-T.
Other names: c.1318C>T, p.Gln440Ter (NM_194283.4); c.1225-495C>T (NM_001348420.2); short protein forms Q440*.
Identifiers: ClinVar variation 1306218 (VCV001306218.2), dbSNP rs139482860, ClinGen allele CA3228774.

ClinVar aggregate classification (germline): Uncertain significance (1 of 4 stars; one submission).

Allele frequency attached by ClinVar (database versions not stated): ESP Exome Variant Server 0.00008.
gnomAD v4.1: 27 of 1,613,912 alleles (0.0017%); highest among the groups gnomAD compares: Non-Finnish European, 0.0023%; no homozygotes.

Submission:

GeneDx
Classification: Uncertain significance. Last evaluated: 2019-06-14. Review status: criteria provided, single submitter. Criteria: GeneDx Variant Classification Process June 2021. Collection method: clinical testing. Allele origin: germline. Affected: yes.
Comment: Nonsense variant predicted to result in protein truncation or nonsense mediated decay, although loss-of-function variants have not been reported in this alternate transcript; Not observed at a significant frequency in large population cohorts (Lek et al., 2016); Present in an alternate transcript of the DNAJC21 gene (NM_194283.3) where no pathogenic variants have been reported in the Human Gene Mutation Database (Stenson et al., 2014); Has not been previously published as pathogenic or benign to our knowledge